The following is an entry in ClinVar:

ClinVar aggregate classification (germline): Uncertain significance (1 of 4 stars; one submission).

Submission:

Women's Health and Genetics/Laboratory Corporation of America, LabCorp
Classification: Uncertain significance. Last evaluated: 2024-05-17. Review status: criteria provided, single submitter. Criteria: LabCorp Variant Classification Summary - May 2015. Collection method: clinical testing. Allele origin: germline.
Comment: Variant summary: The variant involves the deletion of exons 10-11 in the CDK13 gene. A presumed nomenclature of c.(2780+1_2781-1)_(3029+1_3030-1)del has been designated for the purposes of this classification. The variant was absent in 21692 control chromosomes. The available data on variant occurrences in the general population are insufficient to allow any conclusion about variant significance. This Copy Number Variant (CNV) is predicted to result in an in-frame deletion within this gene. To our knowledge, no occurrence of c.(2780+1_2781-1)_(3029+1_3030-1)del in individuals affected with Congenital Heart Defects, Dysmorphic Facial Features, And Intellectual Developmental Disorder and no experimental evidence demonstrating its impact on protein function have been reported. No submitters have cited clinical-significance assessments for this variant to ClinVar. Based on the evidence outlined above, the variant was classified as uncertain significance.

NC_000007.13:g.(40102700_40117603)_(40118451_40127724)del

Gene: CDK13 (cyclin dependent kinase 13; plus strand). Cytogenetic location: 7p14.1.
Variant type: Deletion.
Identifiers: ClinVar variation 3336516 (VCV003336516.1).